The following is an entry in ClinVar:

ClinVar aggregate classification (germline): Uncertain significance (1 of 4 stars; one submission).

Submission:

Women's Health and Genetics/Laboratory Corporation of America, LabCorp
Classification: Uncertain significance. Last evaluated: 2026-05-07. Review status: criteria provided, single submitter. Criteria: LabCorp Variant Classification Summary - May 2015. Collection method: clinical testing. Allele origin: germline.
Comment: Variant summary: KMT2C c.9899G>A (p.Ser3300Asn) results in a conservative amino acid change in the encoded protein sequence. Algorithms developed to predict the effect of missense changes on protein structure and function all suggest that this variant is likely to be tolerated. The variant was absent in 250728 control chromosomes. The available data on variant occurrences in the general population are insufficient to allow any conclusion about variant significance. To our knowledge, no occurrence of c.9899G>A in individuals affected with KMT2C-related conditions and no experimental evidence demonstrating its impact on protein function have been reported. No submitters have cited clinical-significance assessments for this variant to ClinVar. Based on the evidence outlined above, the variant was classified as uncertain significance.

NM_170606.3(KMT2C):c.9899G>A (p.Ser3300Asn)

Gene: KMT2C (lysine methyltransferase 2C; minus strand). Cytogenetic location: 7q36.1.
Variant type: single nucleotide variant.
Coding change: c.9899G>A on transcript NM_170606.3 (MANE Select); coding-DNA position 9899, G replaced by A.
Protein change: p.Ser3300Asn; replaces serine 3300 with asparagine.
Molecular consequence: missense variant.
Genome position (GRCh38, 1-based): chr7:152,163,678, C>T on the plus strand (G>A on the coding strand, the complement: KMT2C is on the minus strand). VCF-style: chr7-152163678-C-T. GRCh37 (hg19) VCF-style: chr7-151860763-C-T.
Other names: short protein forms S3300N.
Identifiers: ClinVar variation 4853475 (VCV004853475.1).